The following is an entry in ClinVar:

ClinVar aggregate classification (germline): Uncertain significance. Review status: criteria provided, multiple submitters, no conflicts (2 of 4 stars). 3 submissions from 3 submitters: Uncertain significance (3). Last evaluated 2026-01-07.

Conditions:
Inborn genetic diseases. Identifiers: MedGen C0950123, MeSH D030342.

Allele frequency attached by ClinVar (database versions not stated): TOPMed 0.00004; gnomAD 0.00005; ESP Exome Variant Server 0.00008.
gnomAD v4.1: 107 of 1,613,194 alleles (0.0066%); highest among the groups gnomAD compares: Non-Finnish European, 0.0089%; no homozygotes.

Submissions (3):

Labcorp Genetics (formerly Invitae), Labcorp
Classification: Uncertain significance. Last evaluated: 2026-01-07. Review status: criteria provided, single submitter. Criteria: Invitae Variant Classification Sherloc (09022015). Collection method: clinical testing. Allele origin: germline.
Comment: This sequence change replaces arginine, which is basic and polar, with cysteine, which is neutral and slightly polar, at codon 514 of the LTBP4 protein (p.Arg514Cys). This variant is present in population databases (rs372512908, gnomAD 0.006%). This variant has not been reported in the literature in individuals affected with LTBP4-related conditions. ClinVar contains an entry for this variant (Variation ID: 2541813). Experimental studies and prediction algorithms are not available or were not evaluated, and the functional significance of this variant is currently unknown. In summary, the available evidence is currently insufficient to determine the role of this variant in disease. Therefore, it has been classified as a Variant of Uncertain Significance.

Ambry Genetics
Classification: Uncertain significance for Inborn genetic diseases. Last evaluated: 2025-07-31. Review status: criteria provided, single submitter. Criteria: Ambry Variant Classification Scheme 2023. Collection method: clinical testing. Allele origin: germline.

GeneDx
Classification: Uncertain significance. Last evaluated: 2024-01-14. Review status: criteria provided, single submitter. Criteria: GeneDx Variant Classification Process June 2021. Collection method: clinical testing. Allele origin: germline. Affected: yes.
Comment: Has not been previously published as pathogenic or benign to our knowledge; In silico analysis supports that this missense variant does not alter protein structure/function; Not observed at significant frequency in large population cohorts (gnomAD)

NM_001042545.2(LTBP4):c.1450C>T (p.Arg484Cys)

Gene: LTBP4 (latent transforming growth factor beta binding protein 4; plus strand). Cytogenetic location: 19q13.2.
Variant type: single nucleotide variant.
Coding change: c.1450C>T on transcript NM_001042545.2 (MANE Select); coding-DNA position 1450, C replaced by T.
Protein change: p.Arg484Cys; replaces arginine 484 with cysteine.
Molecular consequence: missense variant.
Genome position (GRCh38, 1-based): chr19:40,609,553, C>T. VCF-style: chr19-40609553-C-T. GRCh37 (hg19) VCF-style: chr19-41115459-C-T.
Other names: c.1651C>T, p.Arg551Cys (NM_001042544.1); c.1540C>T, p.Arg514Cys (NM_003573.2); short protein forms R484C, R551C, R514C.
Identifiers: ClinVar variation 2541813 (VCV002541813.5), dbSNP rs372512908, ClinGen allele CA9448320.